The following is an entry in ClinVar:

NM_001267550.2(TTN):c.37725del (p.Gln12576fs)

Gene: TTN (titin; minus strand). Cytogenetic location: 2q31.2.
Variant type: Deletion.
Coding change: c.37725del on transcript NM_001267550.2 (MANE Select); coding-DNA position 37725, one base deleted (T; older notation c.37725delT).
Protein change: p.Gln12576fs; shifts the reading frame from glutamine 12576.
Molecular consequence: frameshift variant. On other transcripts: intron variant (6).
Genome position (GRCh38, 1-based): chr2:178,658,144, A deleted on the plus strand (T on the coding strand, the reverse complement: TTN is on the minus strand). VCF-style (leftmost placement, unchanged base first): chr2-178658143-GA-G. GRCh37 (hg19) VCF-style: chr2-179522870-GA-G.
Other names: c.13283-15827del (NM_003319.4); c.13859-15827del (NM_133437.4); c.13658-15827del (NM_133432.3); c.31741+861del (NM_133378.4); c.34522+861del (NM_001256850.1); c.31741+861delT (NM_133378.4); short protein forms Q12576fs.
Identifiers: ClinVar variation 3769061 (VCV003769061.1).

ClinVar aggregate classification (germline): Uncertain significance (1 of 4 stars; one submission).

Submission:

Women's Health and Genetics/Laboratory Corporation of America, LabCorp
Classification: Uncertain significance. Last evaluated: 2025-02-13. Review status: criteria provided, single submitter. Criteria: LabCorp Variant Classification Summary - May 2015. Collection method: clinical testing. Allele origin: germline.
Comment: Variant summary: TTN c.31741+861delT is located at a position not widely known to affect splicing. This variant corresponds to c.37725delT (p.Gln12576LysfsX371) in NM_001267550. Loss of function variants in all TTN bands are strongly associated with a spectrum of autosomal recessive titinopathies when exon expression (proportion spliced in, PSI, 1=complete expression) in skeletal muscle is > 0.1 (PMID: 36977548, 39198997, 29598826, 32778822, 29691892, 33449170, 36977548, internal data). In contrast, loss of function variants in all TTN bands are only strongly associated with autosomal dominant TTN-related cardiomyopathies if located in exons constitutively expressed (PSI > 0.9) in cardiac muscle, excluding extreme C-terminal exons 359-363 (PMID: 25589632, 31216868, 32964742, 34662387, 27869827, Shetty et al., Nat Cardiovasc Res 2024,, internal data). This variant has a maximum skeletal muscle PSI of 0.091 and a maximum cardiac muscle PSI of 0.050. The variant was absent in 1575242 control chromosomes. The available data on variant occurrences in the general population are insufficient to allow any conclusion about variant significance. To our knowledge, no occurrence of c.31741+861delT in individuals affected with Autosomal Recessive Titinopathy and no experimental evidence demonstrating its impact on protein function have been reported. No submitters have cited clinical-significance assessments for this variant to ClinVar. Based on the evidence outlined above, the variant was classified as uncertain significance.